The following is an entry in ClinVar:

NM_023067.4(FOXL2):c.636C>T (p.Pro212=)

Gene: FOXL2 (forkhead box L2; minus strand). Cytogenetic location: 3q22.3.
Variant type: single nucleotide variant.
Coding change: c.636C>T on transcript NM_023067.4 (MANE Select); coding-DNA position 636, C replaced by T.
Protein change: p.Pro212=; no amino-acid change (proline 212 retained).
Molecular consequence: synonymous variant.
Genome position (GRCh38, 1-based): chr3:138,946,087, G>A on the plus strand (C>T on the coding strand, the complement: FOXL2 is on the minus strand). VCF-style: chr3-138946087-G-A. GRCh37 (hg19) VCF-style: chr3-138664929-G-A.
Identifiers: ClinVar variation 3030796 (VCV003030796.2), dbSNP rs955582660, ClinGen allele CA83969990.

ClinVar aggregate classification (germline): Likely benign (0 of 4 stars; one submission).

Conditions:
FOXL2-related disorder. Also called: FOXL2-related condition.

Allele frequency attached by ClinVar (database versions not stated): gnomAD exomes below 0.00001; TOPMed 0.00007; gnomAD 0.00008.

Submission:

PreventionGenetics, part of Exact Sciences
Classification: Likely benign for FOXL2-related condition. Last evaluated: 2022-04-06. Review status: no assertion criteria provided. Collection method: clinical testing. Allele origin: germline.
Comment: This variant is classified as likely benign based on ACMG/AMP sequence variant interpretation guidelines (Richards et al. 2015 PMID: 25741868, with internal and published modifications).